The following is an entry in ClinVar:

ClinVar aggregate classification (germline): Pathogenic/Likely pathogenic. Review status: criteria provided, multiple submitters, no conflicts (2 of 4 stars). 11 submissions from 11 submitters: Pathogenic (8); Likely pathogenic (1). 2 of the submissions do not count toward it. Last evaluated 2025-11-26.

Conditions:
B3GALNT2-related disorders.
B3GALNT2-related disorder. Also called: B3GALNT2-related condition.
Muscular dystrophy-dystroglycanopathy (congenital with brain and eye anomalies), type a, 11 (MDDGA11). Also called: Congenital muscular dystrophy-dystroglycanopathy with brain and eye anomalies, type A11; WALKER-WARBURG SYNDROME OR MUSCLE-EYE-BRAIN DISEASE, B3GALNT2-RELATED; Muscular dystrophy-dystroglycanopathy (congenital with brain and eye anomalies, type A, 11. Identifiers: Orphanet 588, Orphanet 899, MedGen C3554638, MONDO:0014071, OMIM 615181.

Submissions (11):

Labcorp Genetics (formerly Invitae), Labcorp
Classification: Pathogenic for Muscular dystrophy-dystroglycanopathy (congenital with brain and eye anomalies), type a, 11. Last evaluated: 2025-11-26. Review status: criteria provided, single submitter. Criteria: Invitae Variant Classification Sherloc (09022015). Collection method: clinical testing. Allele origin: germline.
Comment: This sequence change creates a premature translational stop signal (p.Ile276Leufs*26) in the B3GALNT2 gene. It is expected to result in an absent or disrupted protein product. Loss-of-function variants in B3GALNT2 are known to be pathogenic (PMID: 23453667). This variant is present in population databases (rs367543075, gnomAD 0.04%). This premature translational stop signal has been observed in individual(s) with congenital muscular dystrophy and/or congenital muscular dystrophy-dystroglycanopathy (PMID: 23453667, 29273094). It has also been observed to segregate with disease in related individuals. This variant is also known as c.822_823dup. ClinVar contains an entry for this variant (Variation ID: 132981). For these reasons, this variant has been classified as Pathogenic.

GeneDx
Classification: Pathogenic. Last evaluated: 2025-07-07. Review status: criteria provided, single submitter. Criteria: GeneDx Variant Classification Process June 2021. Collection method: clinical testing. Allele origin: germline. Affected: yes.
Comment: Frameshift variant predicted to result in protein truncation or nonsense mediated decay in a gene for which loss of function is a known mechanism of disease; This variant is associated with the following publications: (PMID: 29273094, 35456500, 31980526, 34906519, 23453667)

PreventionGenetics, part of Exact Sciences
Classification: Pathogenic for B3GALNT2-related condition. Last evaluated: 2025-03-13. Review status: criteria provided, single submitter. Criteria: ACMG Guidelines, 2015. Collection method: clinical testing. Allele origin: germline.
Comment: The B3GALNT2 c.824_825dupTT variant is predicted to result in a frameshift and premature protein termination (p.Ile276Leufs*26). This variant has been reported in the compound heterozygous state to be causative for dystroglycanopathy in two unrelated families (Stevens et al. 2013. PubMed ID: 23453667; Maroofian et al. 2017. PubMed ID: 29273094). This variant is reported in 0.043% of alleles in individuals of European (non-Finnish) descent in gnomAD. Frameshift variants in B3GALNT2 are expected to be pathogenic, and this variant has been interpreted as pathogenic by multiple independent submitters to the ClinVar database. This variant is interpreted as pathogenic.

Blueprint Genetics
Classification: Pathogenic for B3GALNT2-related disorders. Last evaluated: 2024-09-10. Review status: criteria provided, single submitter. Criteria: ACMG Guidelines, 2015. Collection method: clinical testing. Allele origin: germline. Affected: yes. Observed: 5 variant alleles.

Institute of Medical Genetics and Applied Genomics, University Hospital Tübingen
Classification: Pathogenic for Muscular dystrophy-dystroglycanopathy (congenital with brain and eye anomalies), type a, 11. Last evaluated: 2024-02-28. Review status: criteria provided, single submitter. Criteria: ACMG Guidelines, 2015. Collection method: clinical testing. Allele origin: germline. Inheritance: Autosomal recessive inheritance. Affected: yes.
Comment: second B3GALNT2 in trans (Missense-Variant, VUS)

Women's Health and Genetics/Laboratory Corporation of America, LabCorp
Classification: Pathogenic for Muscular dystrophy-dystroglycanopathy (congenital with brain and eye anomalies), type a, 11. Last evaluated: 2023-03-30. Review status: criteria provided, single submitter. Criteria: LabCorp Variant Classification Summary - May 2015. Collection method: clinical testing. Allele origin: germline.
Comment: Variant summary: B3GALNT2 c.824_825dupTT (p.Ile276LeufsX26) results in a premature termination codon, predicted to cause a truncation of the encoded protein or absence of the protein due to nonsense mediated decay, which are commonly known mechanisms for disease. The variant allele was found at a frequency of 0.00021 in 251380 control chromosomes (gnomAD). c.824_825dupTT has been reported in the literature in the compound heterozygous state in individuals affected with and/or with features of Muscular Dystrophy-Dystroglycanopathy (congenital With Brain And Eye Anomalies) and in two siblings presenting with mild intellectual disability and behavioral problems but without muscular involvement (e.g. Stevens_2013, Maroofian_2017, Marangoni_2022). These data indicate that the variant is likely to be associated with disease. A publication reporting experimental evidence evaluating an impact on protein function found the variant failed to restore IIH6 staining in a complementation assay, resulting in <10% of WT activity (Maroofian_2017). Five submitters have provided clinical-significance assessments for this variant to ClinVar after 2014 and all classified the variant as pathogenic (n=4)/likely pathogenic (n=1). Based on the evidence outlined above, the variant was classified as pathogenic.

Revvity Omics, Revvity
Classification: Pathogenic for Muscular dystrophy-dystroglycanopathy (congenital with brain and eye anomalies), type a, 11. Last evaluated: 2019-09-05. Review status: criteria provided, single submitter. Criteria: ACMG Guidelines, 2015. Collection method: clinical testing. Allele origin: germline.

Genome Diagnostics Laboratory, Amsterdam University Medical Center
Classification: Pathogenic for Muscular dystrophy-dystroglycanopathy (congenital with brain and eye anomalies), type a, 11. Last evaluated: 2017-10-12. Review status: criteria provided, single submitter. Criteria: ACGS Guidelines, 2013. Collection method: clinical testing. Allele origin: germline. Affected: yes. Study: VKGL Data-share Consensus.

Clinical Genetics DNA and cytogenetics Diagnostics Lab, Erasmus MC, Erasmus Medical Center
Classification: Likely pathogenic for Muscular dystrophy-dystroglycanopathy (congenital with brain and eye anomalies), type a, 11. Last evaluated: 2017-05-31. Review status: criteria provided, single submitter. Criteria: ACGS Guidelines, 2013. Collection method: clinical testing. Allele origin: germline. Affected: yes. Study: VKGL Data-share Consensus.

Diagnostic Laboratory, Department of Genetics, University Medical Center Groningen
Classification: Pathogenic. Review status: no assertion criteria provided. Collection method: clinical testing. Allele origin: germline. Affected: yes. Study: VKGL Data-share Consensus. Not counted in ClinVar's aggregate classification.

Leiden Muscular Dystrophy pages (B3GALNT2)
No classification provided. Review status: no classification provided. Collection method: not provided. Allele origin: germline, unknown. Not counted in ClinVar's aggregate classification.
Comment: has functional consequence

Literature cited by the submitters: PubMed 23453667 (cited by Labcorp Genetics (formerly Invitae), Labcorp and Women's Health and Genetics/Laboratory Corporation of America, LabCorp); PubMed 29273094 (cited by Labcorp Genetics (formerly Invitae), Labcorp and Women's Health and Genetics/Laboratory Corporation of America, LabCorp); PubMed 34906519 (cited by Women's Health and Genetics/Laboratory Corporation of America, LabCorp).

NM_152490.5(B3GALNT2):c.824_825dup (p.Ile276fs)

Gene: B3GALNT2 (beta-1,3-N-acetylgalactosaminyltransferase 2; minus strand). Cytogenetic location: 1q42.3.
Variant type: Duplication.
Coding change: c.824_825dup on transcript NM_152490.5 (MANE Select); coding-DNA positions 824 to 825, 2 bases duplicated (TT; older notation c.824_825dupTT).
Protein change: p.Ile276fs; shifts the reading frame from isoleucine 276.
Molecular consequence: frameshift variant.
Genome position (GRCh38, 1-based): chr1:235,465,652-235,465,653, AA duplicated on the plus strand (TT on the coding strand, the reverse complement: B3GALNT2 is on the minus strand); duplicating any 2 consecutive bases within chr1:235,465,652-235,465,655 gives the same sequence; the c. name uses the placement nearest the transcript's 3' end. VCF-style (leftmost placement, unchanged base first): chr1-235465651-T-TAA. GRCh37 (hg19) VCF-style: chr1-235628968-T-TAA.
Other names: c.824_825dupTT (NM_152490.2); c.947_948dup, p.Ile317fs (NM_001277155.3); c.824_825dup (NM_152490.4); short protein forms I317fs, I276fs.
Identifiers: ClinVar variation 132981 (VCV000132981.27), dbSNP rs367543075, ClinGen allele CA231753.